The following is an entry in ClinVar:

NM_002485.5(NBN):c.1051A>C (p.Lys351Gln)

Gene: NBN (nibrin; minus strand). Cytogenetic location: 8q21.3.
Variant type: single nucleotide variant.
Coding change: c.1051A>C on transcript NM_002485.5 (MANE Select); coding-DNA position 1051, A replaced by C.
Protein change: p.Lys351Gln; replaces lysine 351 with glutamine.
Molecular consequence: missense variant.
Genome position (GRCh38, 1-based): chr8:89,958,798, T>G on the plus strand (A>C on the coding strand, the complement: NBN is on the minus strand). VCF-style: chr8-89958798-T-G. GRCh37 (hg19) VCF-style: chr8-90971026-T-G.
Other names: c.805A>C, p.Lys269Gln (NM_001024688.3, NM_001440379.1, NM_001440380.1); short protein forms K351Q, K269Q.
Identifiers: ClinVar variation 4117267 (VCV004117267.1).

ClinVar aggregate classification (germline): Uncertain significance (1 of 4 stars; one submission).

Conditions:
Hereditary cancer-predisposing syndrome. Also called: Hereditary neoplastic syndrome; Neoplastic Syndromes, Hereditary; Tumor predisposition; Hereditary Cancer Syndrome. Identifiers: Orphanet 140162, MedGen C0027672, MeSH D009386, MONDO:0015356.

Submission:

Ambry Genetics
Classification: Uncertain significance for Hereditary cancer-predisposing syndrome. Last evaluated: 2025-07-12. Review status: criteria provided, single submitter. Criteria: Ambry Variant Classification Scheme 2023. Collection method: clinical testing. Allele origin: germline.
Comment: The p.K351Q variant (also known as c.1051A>C), located in coding exon 9 of the NBN gene, results from an A to C substitution at nucleotide position 1051. The lysine at codon 351 is replaced by glutamine, an amino acid with similar properties. This amino acid position is conserved. In addition, this alteration is predicted to be tolerated by in silico analysis. Based on the available evidence, the clinical significance of this variant remains unclear.